The following is an entry in ClinVar:

NM_000257.4(MYH7):c.264G>A (p.Glu88=)

Gene: MYH7 (myosin heavy chain 7; minus strand). Cytogenetic location: 14q11.2.
Variant type: single nucleotide variant.
Coding change: c.264G>A on transcript NM_000257.4 (MANE Select); coding-DNA position 264, G replaced by A.
Protein change: p.Glu88=; no amino-acid change (glutamic acid 88 retained).
Molecular consequence: synonymous variant.
Genome position (GRCh38, 1-based): chr14:23,433,165, C>T on the plus strand (G>A on the coding strand, the complement: MYH7 is on the minus strand). VCF-style: chr14-23433165-C-T. GRCh37 (hg19) VCF-style: chr14-23902374-C-T.
Other names: c.264G>A, p.Glu88= (NM_001407004.1).
Identifiers: ClinVar variation 2413977 (VCV002413977.10), dbSNP rs781757817, ClinGen allele CA033630.

ClinVar aggregate classification (germline): Likely benign. Review status: criteria provided, multiple submitters, no conflicts (2 of 4 stars). 3 submissions from 3 submitters: Likely benign (3). Last evaluated 2026-07-01.

Conditions:
Cardiomyopathy (CMYO). Also called: Cardiomyopathies. Identifiers: Orphanet 167848, MedGen C0878544, MONDO:0004994, HP:0001638. Inheritance: Various modes of inheritance.
Hypertrophic cardiomyopathy. Also called: HYPERTROPHIC MYOCARDIOPATHY. Identifiers: Orphanet 217569, MedGen C0007194, MeSH D002312, MONDO:0005045, HP:0001639.

Allele frequency attached by ClinVar (database versions not stated): ExAC 0.00001; gnomAD exomes 0.00001.
gnomAD v4.1: 3 of 1,614,142 alleles (0.00019%); highest among the groups gnomAD compares: Admixed American, 0.005%; no homozygotes.

Submissions (3):

CeGaT Center for Human Genetics Tuebingen
Classification: Likely benign. Last evaluated: 2026-07-01. Review status: criteria provided, single submitter. Criteria: CeGaT Center For Human Genetics Tuebingen Variant Classification Criteria Version 2. Collection method: clinical testing. Allele origin: germline. Affected: yes. Observed: 1 variant allele.
Comment: MYH7: BP4, BP7

Labcorp Genetics (formerly Invitae), Labcorp
Classification: Likely benign for Hypertrophic cardiomyopathy. Last evaluated: 2025-12-16. Review status: criteria provided, single submitter. Criteria: Invitae Variant Classification Sherloc (09022015). Collection method: clinical testing. Allele origin: germline.

All of Us Research Program, National Institutes of Health
Classification: Likely benign for Cardiomyopathy. Last evaluated: 2024-04-16. Review status: criteria provided, single submitter. Criteria: ACMG Guidelines, 2015. Collection method: clinical testing. Allele origin: germline. Inheritance: Autosomal dominant inheritance. Observed: 2 variant alleles, 2 heterozygotes.
Comment: This study involves interpretation of variants in research participants for the purpose of population health screening. Participant phenotype was not available at the time of variant classification. Additional details can be found in publication PMID: 35346344, PMCID: PMC8962531